The following is an entry in ClinVar:

ClinVar aggregate classification (germline): Uncertain significance (1 of 4 stars; one submission).

Allele frequency attached by ClinVar (database versions not stated): gnomAD exomes below 0.00001.
gnomAD v4.1: 1 of 1,611,000 alleles (0.000062%); highest among the groups gnomAD compares: African/African-American, 0.0013%; no homozygotes.

Submission:

Women's Health and Genetics/Laboratory Corporation of America, LabCorp
Classification: Uncertain significance. Last evaluated: 2021-03-15. Review status: criteria provided, single submitter. Criteria: LabCorp Variant Classification Summary - May 2015. Collection method: clinical testing. Allele origin: germline.
Comment: Variant summary: AKAP9 c.11546+19C>T alters a non-conserved nucleotide located close to a canonical splice site and therefore could affect mRNA splicing, leading to a significantly altered protein sequence. 4/4 computational tools predict no significant impact on normal splicing. However, these predictions have yet to be confirmed by functional studies. The variant was absent in 250774 control chromosomes. The available data on variant occurrences in the general population are insufficient to allow any conclusion about variant significance. To our knowledge, no occurrence of c.11546+19C>T in individuals affected with Long QT Syndrome and no experimental evidence demonstrating its impact on protein function have been reported. No clinical diagnostic laboratories have submitted clinical-significance assessments for this variant to ClinVar after 2014. Based on the evidence outlined above, the variant was classified as uncertain significance.

NM_005751.5(AKAP9):c.11546+19C>T

Gene: AKAP9 (A-kinase anchoring protein 9; plus strand). Cytogenetic location: 7q21.2.
Variant type: single nucleotide variant.
Coding change: c.11546+19C>T on transcript NM_005751.5 (MANE Select); 19 bases into the intron after coding-DNA position 11546, C replaced by T.
Molecular consequence: intron variant.
Genome position (GRCh38, 1-based): chr7:92,107,441, C>T. VCF-style: chr7-92107441-C-T. GRCh37 (hg19) VCF-style: chr7-91736755-C-T.
Other names: c.11522+19C>T (NM_147185.3); c.6191+19C>T (NM_001379277.1).
Identifiers: ClinVar variation 1027592 (VCV001027592.1), dbSNP rs1818692330, ClinGen allele CA1725763079.